The following is an entry in ClinVar:

NM_181507.2(HPS5):c.888dup (p.His297fs)

Gene: HPS5 (HPS5 biogenesis of lysosomal organelles complex 2 subunit 2; minus strand). Cytogenetic location: 11p15.1.
Variant type: Duplication.
Coding change: c.888dup on transcript NM_181507.2 (MANE Select); coding-DNA position 888, one base duplicated (A; older notation c.888dupA).
Protein change: p.His297fs; shifts the reading frame from histidine 297.
Molecular consequence: frameshift variant.
Genome position (GRCh38, 1-based): chr11:18,305,430, T duplicated on the plus strand (A on the coding strand, the reverse complement: HPS5 is on the minus strand). VCF-style (leftmost placement, unchanged base first): chr11-18305429-G-GT. GRCh37 (hg19) VCF-style: chr11-18326976-G-GT.
Other names: c.546dup, p.His183Thrfs (NM_181508.2); c.546dup, p.His183fs (NM_007216.4); short protein forms H183fs, H297fs.
Identifiers: ClinVar variation 2735562 (VCV002735562.4), dbSNP rs1209723048, ClinGen allele CA674301462.

ClinVar aggregate classification (germline): Pathogenic. Review status: criteria provided, multiple submitters, no conflicts (2 of 4 stars). 2 submissions from 2 submitters: Pathogenic (2). Last evaluated 2024-05-01.

Conditions:
Hermansky-Pudlak syndrome 5 (HPS5). Identifiers: Orphanet 231512, Orphanet 79430, MedGen C3888004, MONDO:0013557, OMIM 614074.

Allele frequency attached by ClinVar (database versions not stated): gnomAD exomes below 0.00001; gnomAD 0.00001; TOPMed 0.00001.

Submissions (2):

Labcorp Genetics (formerly Invitae), Labcorp
Classification: Pathogenic. Last evaluated: 2024-05-01. Review status: criteria provided, single submitter. Criteria: Invitae Variant Classification Sherloc (09022015). Collection method: clinical testing. Allele origin: germline.
Comment: This sequence change creates a premature translational stop signal (p.His297Thrfs*3) in the HPS5 gene. It is expected to result in an absent or disrupted protein product. Loss-of-function variants in HPS5 are known to be pathogenic (PMID: 12548288, 15296495, 21833017, 26785811). This variant is not present in population databases (gnomAD no frequency). This premature translational stop signal has been observed in individual(s) with Hermansky-Pudlak syndrome (PMID: 18182080). For these reasons, this variant has been classified as Pathogenic.

Fulgent Genetics
Classification: Pathogenic for Hermansky-Pudlak syndrome 5. Last evaluated: 2024-04-26. Review status: criteria provided, single submitter. Criteria: ACMG Guidelines, 2015. Collection method: clinical testing. Allele origin: germline.

Literature cited by the submitters: PubMed 12548288 (cited by Labcorp Genetics (formerly Invitae), Labcorp); PubMed 15296495 (cited by Labcorp Genetics (formerly Invitae), Labcorp); PubMed 21833017 (cited by Labcorp Genetics (formerly Invitae), Labcorp); PubMed 26785811 (cited by Labcorp Genetics (formerly Invitae), Labcorp); PubMed 18182080 (cited by Labcorp Genetics (formerly Invitae), Labcorp).